The following is an entry in ClinVar:

NM_016180.5(SLC45A2):c.1045G>A (p.Gly349Arg)

Gene: SLC45A2 (solute carrier family 45 member 2; minus strand). Cytogenetic location: 5p13.2.
Variant type: single nucleotide variant.
Coding change: c.1045G>A on transcript NM_016180.5 (MANE Select); coding-DNA position 1045, G replaced by A.
Protein change: p.Gly349Arg; replaces glycine 349 with arginine.
Molecular consequence: missense variant.
Genome position (GRCh38, 1-based): chr5:33,951,665, C>T on the plus strand (G>A on the coding strand, the complement: SLC45A2 is on the minus strand). VCF-style: chr5-33951665-C-T. GRCh37 (hg19) VCF-style: chr5-33951770-C-T.
Other names: c.1045G>A (NM_016180.4); c.1045G>A, p.Gly349Arg (NM_001012509.4); c.719G>A, p.Arg240Gln (NM_001297417.4); short protein forms G349R, R240Q.
Identifiers: ClinVar variation 2203618 (VCV002203618.6), dbSNP rs146930801, ClinGen allele CA3225595.

ClinVar aggregate classification (germline): Pathogenic. Review status: criteria provided, multiple submitters, no conflicts (2 of 4 stars). 3 submissions from 3 submitters: Pathogenic (3). Last evaluated 2026-02-24.

Conditions:
SLC45A2-related disorder. Also called: SLC45A2-related condition.

Allele frequency attached by ClinVar (database versions not stated): gnomAD exomes 0.00004; TOPMed 0.00003; ExAC 0.00013; gnomAD 0.00005; ESP Exome Variant Server 0.00015.

Submissions (3):

PreventionGenetics, part of Exact Sciences
Classification: Pathogenic for SLC45A2-related condition. Last evaluated: 2026-02-24. Review status: criteria provided, single submitter. Criteria: ACMG Guidelines, 2015. Collection method: clinical testing. Allele origin: germline.
Comment: The SLC45A2 c.1045G>A variant is predicted to result in the amino acid substitution p.Gly349Arg. This variant has been reported along with a second SLC45A2 variant in individuals with oculocutaneous albinism (Wei et al. 2010. PubMed ID: 19865097; Zhong et al. 2019. PubMed ID: 31077556; Moreno-Artero et al. 2022. PubMed ID: 36553465). This variant is present in 0.014% of alleles in individuals of European (Non-Finnish) descent in gnomAD. Given the evidence, we interpret this variant as pathogenic.

Labcorp Genetics (formerly Invitae), Labcorp
Classification: Pathogenic. Last evaluated: 2025-06-25. Review status: criteria provided, single submitter. Criteria: Invitae Variant Classification Sherloc (09022015). Collection method: clinical testing. Allele origin: germline.
Comment: This sequence change replaces glycine, which is neutral and non-polar, with arginine, which is basic and polar, at codon 349 of the SLC45A2 protein (p.Gly349Arg). This variant is present in population databases (rs146930801, gnomAD 0.01%). This missense change has been observed in individual(s) with oculocutaneous albinism (PMID: 19865097, 21287499, 23324268, 31077556). In at least one individual the data is consistent with being in trans (on the opposite chromosome) from a pathogenic variant. ClinVar contains an entry for this variant (Variation ID: 2203618). Invitae Evidence Modeling of protein sequence and biophysical properties (such as structural, functional, and spatial information, amino acid conservation, physicochemical variation, residue mobility, and thermodynamic stability) indicates that this missense variant is expected to disrupt SLC45A2 protein function with a positive predictive value of 80%. For these reasons, this variant has been classified as Pathogenic.

Blueprint Genetics
Classification: Pathogenic for SLC45A2-related disorders. Last evaluated: 2024-02-15. Review status: criteria provided, single submitter. Criteria: ACMG Guidelines, 2015. Collection method: clinical testing. Allele origin: germline. Affected: yes. Observed: 5 variant alleles.

Literature cited by the submitters: PubMed 19865097 (cited by Labcorp Genetics (formerly Invitae), Labcorp); PubMed 21287499 (cited by Labcorp Genetics (formerly Invitae), Labcorp); PubMed 23324268 (cited by Labcorp Genetics (formerly Invitae), Labcorp); PubMed 31077556 (cited by Labcorp Genetics (formerly Invitae), Labcorp).